The following is an entry in ClinVar:

NM_001453.3(FOXC1):c.1300C>T (p.Pro434Ser)

Gene: FOXC1 (forkhead box C1; plus strand). Cytogenetic location: 6p25.3.
Variant type: single nucleotide variant.
Coding change: c.1300C>T on transcript NM_001453.3 (MANE Select); coding-DNA position 1300, C replaced by T.
Protein change: p.Pro434Ser; replaces proline 434 with serine.
Molecular consequence: missense variant.
Genome position (GRCh38, 1-based): chr6:1,611,745, C>T. VCF-style: chr6-1611745-C-T. GRCh37 (hg19) VCF-style: chr6-1611980-C-T.
Other names: short protein forms P434S.
Identifiers: ClinVar variation 2886317 (VCV002886317.3), dbSNP rs753526474, ClinGen allele CA362560630.

ClinVar aggregate classification (germline): Uncertain significance (1 of 4 stars; one submission).

Conditions:
Axenfeld-Rieger syndrome type 3 (RIEG3). Also called: AXENFELD-RIEGER ANOMALY WITH CARDIAC DEFECTS AND/OR SENSORINEURAL HEARING LOSS. Identifiers: Orphanet 782, MedGen C2678503, MONDO:0011233, OMIM 602482.

Allele frequency attached by ClinVar (database versions not stated): TOPMed below 0.00001; gnomAD exomes 0.00001.
gnomAD v4.1: 8 of 1,471,842 alleles (0.00054%); highest among the groups gnomAD compares: South Asian, 0.0013%; no homozygotes.

Submission:

Labcorp Genetics (formerly Invitae), Labcorp
Classification: Uncertain significance for Axenfeld-Rieger syndrome type 3. Last evaluated: 2024-05-23. Review status: criteria provided, single submitter. Criteria: Invitae Variant Classification Sherloc (09022015). Collection method: clinical testing. Allele origin: germline.
Comment: This sequence change replaces proline, which is neutral and non-polar, with serine, which is neutral and polar, at codon 434 of the FOXC1 protein (p.Pro434Ser). This variant is not present in population databases (gnomAD no frequency). This variant has not been reported in the literature in individuals affected with FOXC1-related conditions. An algorithm developed to predict the effect of missense changes on protein structure and function (PolyPhen-2) suggests that this variant is likely to be disruptive. In summary, the available evidence is currently insufficient to determine the role of this variant in disease. Therefore, it has been classified as a Variant of Uncertain Significance.